The following is an entry in ClinVar:

ClinVar aggregate classification (germline): Pathogenic (1 of 4 stars; one submission).

Submission:

Labcorp Genetics (formerly Invitae), Labcorp
Classification: Pathogenic. Last evaluated: 2023-08-30. Review status: criteria provided, single submitter. Criteria: Invitae Variant Classification Sherloc (09022015). Collection method: clinical testing. Allele origin: germline.
Comment: This sequence change creates a premature translational stop signal (p.Gln789*) in the ABCC6 gene. It is expected to result in an absent or disrupted protein product. Loss-of-function variants in ABCC6 are known to be pathogenic (PMID: 11536079, 17617515). This variant is not present in population databases (gnomAD no frequency). This variant has not been reported in the literature in individuals affected with ABCC6-related conditions. For these reasons, this variant has been classified as Pathogenic.

Literature cited by the submitters: PubMed 11536079; PubMed 17617515.

NM_001171.6(ABCC6):c.2365C>T (p.Gln789Ter)

Gene: ABCC6 (ATP binding cassette subfamily C member 6; minus strand). Cytogenetic location: 16p13.11.
Variant type: single nucleotide variant.
Coding change: c.2365C>T on transcript NM_001171.6 (MANE Select); coding-DNA position 2365, C replaced by T.
Protein change: p.Gln789Ter; replaces glutamine 789 with a stop codon.
Molecular consequence: nonsense. On other transcripts: non-coding transcript variant (1).
Genome position (GRCh38, 1-based): chr16:16,178,848, G>A on the plus strand (C>T on the coding strand, the complement: ABCC6 is on the minus strand). VCF-style: chr16-16178848-G-A. GRCh37 (hg19) VCF-style: chr16-16272705-G-A.
Other names: c.2023C>T, p.Gln675Ter (NM_001351800.1); short protein forms Q675*, Q789*.
Identifiers: ClinVar variation 2791767 (VCV002791767.3), dbSNP rs2510994528, ClinGen allele CA394887974.